The following is an entry in ClinVar:

NM_000059.4(BRCA2):c.1480del (p.Val494fs)

Gene: BRCA2 (BRCA2 DNA repair associated; plus strand). Cytogenetic location: 13q13.1.
Variant type: Deletion.
Coding change: c.1480del on transcript NM_000059.4 (MANE Select); coding-DNA position 1480, one base deleted (G; older notation c.1480delG).
Protein change: p.Val494fs; shifts the reading frame from valine 494.
Molecular consequence: frameshift variant. On other transcripts: non-coding transcript variant (1), intron variant (1).
Genome position (GRCh38, 1-based): chr13:32,332,958, G deleted. VCF-style (leftmost placement, unchanged base first): chr13-32332957-AG-A. GRCh37 (hg19) VCF-style: chr13-32907094-AG-A.
Other names: c.1480del, p.Val494fs (NM_001406719.1, NM_001406720.1, NM_001406721.1 and 1 more transcripts); c.424+1928del (NM_001406722.1); short protein forms V494fs.
Identifiers: ClinVar variation 3655422 (VCV003655422.2).

ClinVar aggregate classification (germline): Pathogenic (1 of 4 stars; one submission).

Conditions:
Hereditary breast ovarian cancer syndrome. Also called: BRCA1- and BRCA2-Associated Hereditary Breast and Ovarian Cancer; Breast and ovarian cancer; Hereditary breast and ovarian cancer syndrome (HBOC); Hereditary breast and ovarian cancer syndrome; Hereditary breast and/or ovarian cancer syndrome; Hereditary breast and ovarian cancer. Identifiers: Orphanet 145, MedGen C0677776, MeSH D061325, MONDO:0003582. Disease mechanism: loss of function.

Submission:

Labcorp Genetics (formerly Invitae), Labcorp
Classification: Pathogenic for Hereditary breast ovarian cancer syndrome. Last evaluated: 2024-06-04. Review status: criteria provided, single submitter. Criteria: Invitae Variant Classification Sherloc (09022015). Collection method: clinical testing. Allele origin: germline.
Comment: This sequence change creates a premature translational stop signal (p.Val494Trpfs*15) in the BRCA2 gene. It is expected to result in an absent or disrupted protein product. Loss-of-function variants in BRCA2 are known to be pathogenic (PMID: 20104584). This variant is not present in population databases (gnomAD no frequency). This variant has not been reported in the literature in individuals affected with BRCA2-related conditions. For these reasons, this variant has been classified as Pathogenic.

Literature cited by the submitters: PubMed 20104584.